The following is an entry in ClinVar:

ClinVar aggregate classification (germline): Uncertain significance (1 of 4 stars; one submission).

gnomAD v4.1: 1 of 1,606,700 alleles (0.000062%); highest among the groups gnomAD compares: Non-Finnish European, 0.000085%; no homozygotes.

Submission:

Labcorp Genetics (formerly Invitae), Labcorp
Classification: Uncertain significance. Last evaluated: 2025-03-23. Review status: criteria provided, single submitter. Criteria: Invitae Variant Classification Sherloc (09022015). Collection method: clinical testing. Allele origin: germline.
Comment: This sequence change replaces glutamic acid, which is acidic and polar, with aspartic acid, which is acidic and polar, at codon 100 of the TNFRSF6B protein (p.Glu100Asp). This variant is not present in population databases (gnomAD no frequency). This variant has not been reported in the literature in individuals affected with TNFRSF6B-related conditions. An algorithm developed to predict the effect of missense changes on protein structure and function (PolyPhen-2) suggests that this variant is likely to be disruptive. In summary, the available evidence is currently insufficient to determine the role of this variant in disease. Therefore, it has been classified as a Variant of Uncertain Significance.

NM_003823.4(TNFRSF6B):c.300G>C (p.Glu100Asp)

Genes: RTEL1-TNFRSF6B (RTEL1-TNFRSF6B readthrough (NMD candidate); plus strand), TNFRSF6B (TNF receptor superfamily member 6b; plus strand). Cytogenetic location: 20q13.33.
Variant type: single nucleotide variant.
Coding change: c.300G>C on transcript NM_003823.4 (MANE Select); coding-DNA position 300, G replaced by C.
Protein change: p.Glu100Asp; replaces glutamic acid 100 with aspartic acid.
Molecular consequence: missense variant. On other transcripts: non-coding transcript variant (1).
Genome position (GRCh38, 1-based): chr20:63,697,067, G>C. VCF-style: chr20-63697067-G-C. GRCh37 (hg19) VCF-style: chr20-62328420-G-C.
Other names: short protein forms E100D.
Identifiers: ClinVar variation 4710360 (VCV004710360.1).